The following is an entry in ClinVar:

NM_014915.3(ANKRD26):c.2842A>C (p.Ile948Leu)

Gene: ANKRD26 (ankyrin repeat domain 26; minus strand). Cytogenetic location: 10p12.1.
Variant type: single nucleotide variant.
Coding change: c.2842A>C on transcript NM_014915.3 (MANE Select); coding-DNA position 2842, A replaced by C.
Protein change: p.Ile948Leu; replaces isoleucine 948 with leucine.
Molecular consequence: missense variant.
Genome position (GRCh38, 1-based): chr10:27,035,608, T>G on the plus strand (A>C on the coding strand, the complement: ANKRD26 is on the minus strand). VCF-style: chr10-27035608-T-G. GRCh37 (hg19) VCF-style: chr10-27324537-T-G.
Other names: c.2839A>C, p.Ile947Leu (NM_001256053.2); short protein forms I947L, I948L.
Identifiers: ClinVar variation 5023852 (VCV005023852.1).

ClinVar aggregate classification (germline): Uncertain significance (1 of 4 stars; one submission).

Conditions:
Inborn genetic diseases. Identifiers: MedGen C0950123, MeSH D030342.

Submission:

Ambry Genetics
Classification: Uncertain significance for Inborn genetic diseases. Last evaluated: 2026-09-09. Review status: criteria provided, single submitter. Criteria: Ambry Variant Classification Scheme 2023. Collection method: clinical testing. Allele origin: germline.
Comment: The p.I948L variant (also known as c.2842A>C), located in coding exon 24 of the ANKRD26 gene, results from an A to C substitution at nucleotide position 2842. The isoleucine at codon 948 is replaced by leucine, an amino acid with highly similar properties. This amino acid position is conserved. In addition, this alteration is predicted to be tolerated by in silico analysis. Based on the available evidence, the clinical significance of this variant remains unclear.